The following is an entry in ClinVar:

ClinVar aggregate classification (germline): Uncertain significance. Review status: criteria provided, multiple submitters, no conflicts (2 of 4 stars). 7 submissions from 5 submitters: Uncertain significance (7). Last evaluated 2024-10-20.

Conditions:
RYR1-related disorder. Also called: RYR1-related condition; RYR1-related disorders. Identifiers: MedGen CN239331.
Congenital multicore myopathy with external ophthalmoplegia (CMYO1B). Also called: MULTICORE MYOPATHY; Minicore myopathy with external ophthalmoplegia; Congenital myopathy 1B, autosomal recessive; Minicore myopathy; MULTIMINICORE DISEASE WITH EXTERNAL OPHTHALMOPLEGIA. Identifiers: Orphanet 598, Orphanet 98905, MedGen C1850674, MONDO:0009712, OMIM 255320, HP:0003789.
Central core myopathy (CMYO1A). Also called: CONGENITAL MYOPATHY 1A, AUTOSOMAL DOMINANT, WITH SUSCEPTIBILITY TO MALIGNANT HYPERTHERMIA; Central core disease; Myopathy, central fibrillar. Identifiers: Orphanet 597, MedGen C5830701, MONDO:0007294, OMIM 117000.
Malignant hyperthermia, susceptibility to, 1 (MHS1). Also called: Anesthesia related hyperthermia; Malignant hyperpyrexia; Fulminating hyperpyrexia; Pharmacogenic myopathy; RYR1-Related Malignant Hyperthermia Susceptibility; Malignant hyperthermia suceptibility 1. Identifiers: Orphanet 423, MedGen C2930980, MONDO:0007783, OMIM 145600.

Allele frequency attached by ClinVar (database versions not stated): TOPMed below 0.00001.
gnomAD v4.1: 3 of 1,614,042 alleles (0.00019%); highest among the groups gnomAD compares: Admixed American, 0.0017%; no homozygotes.

Submissions (7):

Labcorp Genetics (formerly Invitae), Labcorp
Classification: Uncertain significance for RYR1-related disorder. Last evaluated: 2024-10-20. Review status: criteria provided, single submitter. Criteria: Invitae Variant Classification Sherloc (09022015). Collection method: clinical testing. Allele origin: germline.
Comment: This sequence change replaces arginine, which is basic and polar, with tryptophan, which is neutral and slightly polar, at codon 2888 of the RYR1 protein (p.Arg2888Trp). This variant is not present in population databases (gnomAD no frequency). This variant has not been reported in the literature in individuals affected with RYR1-related conditions. ClinVar contains an entry for this variant (Variation ID: 891067). Invitae Evidence Modeling of protein sequence and biophysical properties (such as structural, functional, and spatial information, amino acid conservation, physicochemical variation, residue mobility, and thermodynamic stability) has been performed for this missense variant. However, the output from this modeling did not meet the statistical confidence thresholds required to predict the impact of this variant on RYR1 protein function. In summary, the available evidence is currently insufficient to determine the role of this variant in disease. Therefore, it has been classified as a Variant of Uncertain Significance.

All of Us Research Program, National Institutes of Health
Classification: Uncertain significance for Malignant hyperthermia, susceptibility to, 1. Last evaluated: 2024-04-16. Review status: criteria provided, single submitter. Criteria: ACMG Guidelines, 2015. Collection method: clinical testing. Allele origin: germline. Inheritance: Autosomal dominant inheritance. Observed: 2 variant alleles, 2 heterozygotes.
Comment: This missense variant replaces arginine with tryptophan at codon 2888 of the RYR1 protein. Computational prediction is inconclusive regarding the impact of this variant on protein structure and function (internally defined REVEL score threshold 0.5 < inconclusive < 0.7, PMID: 27666373). To our knowledge, functional studies have not been reported for this variant. This variant has not been reported in individuals affected with RYR1-related disorders in the literature. This variant has not been identified in the general population by the Genome Aggregation Database (gnomAD). The available evidence is insufficient to determine the role of this variant in disease conclusively. Therefore, this variant is classified as a Variant of Uncertain Significance.

This study involves interpretation of variants in research participants for the purpose of population health screening. Participant phenotype was not available at the time of variant classification. Additional details can be found in publication PMID: 35346344, PMCID: PMC8962531

Color Diagnostics, LLC DBA Color Health
Classification: Uncertain significance for Malignant hyperthermia, susceptibility to, 1. Last evaluated: 2024-03-28. Review status: criteria provided, single submitter. Criteria: ACMG Guidelines, 2015. Collection method: clinical testing. Allele origin: germline.
Comment: This missense variant replaces arginine with tryptophan at codon 2888 of the RYR1 protein. Computational prediction is inconclusive regarding the impact of this variant on protein structure and function. To our knowledge, functional studies have not been reported for this variant. This variant has not been reported in individuals affected with RYR1-related disorders in the literature. This variant has not been identified in the general population by the Genome Aggregation Database (gnomAD). The available evidence is insufficient to determine the role of this variant in disease conclusively. Therefore, this variant is classified as a Variant of Uncertain Significance.

Revvity Omics, Revvity
Classification: Uncertain significance. Last evaluated: 2021-12-03. Review status: criteria provided, single submitter. Criteria: ACMG Guidelines, 2015. Collection method: clinical testing. Allele origin: germline.

Illumina Laboratory Services, Illumina
Classification: Uncertain significance for Central core myopathy. Last evaluated: 2018-01-12. Review status: criteria provided, single submitter. Criteria: ICSL Variant Classification Criteria 13 December 2019. Collection method: clinical testing. Allele origin: germline.

Illumina Laboratory Services, Illumina
Classification: Uncertain significance for Malignant hyperthermia, susceptibility to, 1. Last evaluated: 2018-01-12. Review status: criteria provided, single submitter. Criteria: ICSL Variant Classification Criteria 13 December 2019. Collection method: clinical testing. Allele origin: germline.

Illumina Laboratory Services, Illumina
Classification: Uncertain significance for Congenital multicore myopathy with external ophthalmoplegia. Last evaluated: 2018-01-12. Review status: criteria provided, single submitter. Criteria: ICSL Variant Classification Criteria 13 December 2019. Collection method: clinical testing. Allele origin: germline.

NM_000540.3(RYR1):c.8662C>T (p.Arg2888Trp)

Gene: RYR1 (ryanodine receptor 1; plus strand). Cytogenetic location: 19q13.2.
Variant type: single nucleotide variant.
Coding change: c.8662C>T on transcript NM_000540.3 (MANE Select); coding-DNA position 8662, C replaced by T.
Protein change: p.Arg2888Trp; replaces arginine 2888 with tryptophan.
Molecular consequence: missense variant.
Genome position (GRCh38, 1-based): chr19:38,506,516, C>T. VCF-style: chr19-38506516-C-T. GRCh37 (hg19) VCF-style: chr19-38997156-C-T.
Other names: c.8662C>T, p.Arg2888Trp (NM_001042723.2); short protein forms R2888W.
Identifiers: ClinVar variation 891067 (VCV000891067.12), dbSNP rs1234488220, ClinGen allele CA405680123.